The following is an entry in ClinVar:

NM_002880.4(RAF1):c.778A>C (p.Thr260Pro)

Gene: RAF1 (Raf-1 proto-oncogene, serine/threonine kinase; minus strand). Cytogenetic location: 3p25.2.
Variant type: single nucleotide variant.
Coding change: c.778A>C on transcript NM_002880.4 (MANE Select); coding-DNA position 778, A replaced by C.
Protein change: p.Thr260Pro; replaces threonine 260 with proline.
Molecular consequence: missense variant. On other transcripts: non-coding transcript variant (3).
Genome position (GRCh38, 1-based): chr3:12,604,192, T>G on the plus strand (A>C on the coding strand, the complement: RAF1 is on the minus strand). VCF-style: chr3-12604192-T-G. GRCh37 (hg19) VCF-style: chr3-12645691-T-G.
Other names: c.778A>C, p.Thr260Pro (NM_001354689.3, NM_001354690.3); c.535A>C, p.Thr179Pro (NM_001354691.3, NM_001354692.3, NM_001354694.3); c.679A>C, p.Thr227Pro (NM_001354693.3); c.436A>C, p.Thr146Pro (NM_001354695.3); short protein forms T260P, T146P, T179P, T227P.
Identifiers: ClinVar variation 426303 (VCV000426303.11), dbSNP rs1085307553, ClinGen allele CA351512415.

ClinVar aggregate classification (germline): Pathogenic. Review status: criteria provided, multiple submitters, no conflicts (2 of 4 stars). 3 submissions from 3 submitters: Pathogenic (3). Last evaluated 2024-02-26.

Conditions:
RASopathy. Also called: Noonan spectrum disorder; rasopathies. Identifiers: Orphanet 536391, MedGen C5555857, MONDO:0021060.

Submissions (3):

GeneDx
Classification: Pathogenic. Last evaluated: 2024-02-26. Review status: criteria provided, single submitter. Criteria: GeneDx Variant Classification Process June 2021. Collection method: clinical testing. Allele origin: germline. Affected: yes.
Comment: Not observed at significant frequency in large population cohorts (gnomAD); Missense variants in this gene are a common cause of disease and they are underrepresented in the general population; In silico analysis supports that this missense variant does not alter protein structure/function; This variant is associated with the following publications: (PMID: 36554045, 24957944, 9689060, 15520807, 17603483, 29493581, 19020799, 31040167, 30359267)

Women's Health and Genetics/Laboratory Corporation of America, LabCorp
Classification: Pathogenic for RASopathy. Last evaluated: 2023-10-19. Review status: criteria provided, single submitter. Criteria: LabCorp Variant Classification Summary - May 2015. Collection method: clinical testing. Allele origin: germline.
Comment: Variant summary: RAF1 c.778A>C (p.Thr260Pro) results in a non-conservative amino acid change in the encoded protein sequence. Five of five in-silico tools predict a damaging effect of the variant on protein function. The variant was absent in 251468 control chromosomes. c.778A>C has been reported in the literature as a de-novo variant in at-least two individuals affected with features of prenatal Rasopathy/Noonan Syndrome/multiple congenital anamolies (example, Leung_2018, Stuurman_2019). These data indicate that the variant may be associated with disease. To our knowledge, no experimental evidence demonstrating an impact on protein function has been reported. The following publications have been ascertained in the context of this evaluation (PMID: 31573083, 30359267, 31040167). Two submitters have cited clinical-significance assessments for this variant to ClinVar after 2014. All submitters classified the variant as pathogenic/likely pathogenic. Based on the evidence outlined above, the variant was classified as pathogenic.

Labcorp Genetics (formerly Invitae), Labcorp
Classification: Pathogenic for RASopathy. Last evaluated: 2022-03-29. Review status: criteria provided, single submitter. Criteria: Invitae Variant Classification Sherloc (09022015). Collection method: clinical testing. Allele origin: germline.
Comment: This variant is not present in population databases (gnomAD no frequency). For these reasons, this variant has been classified as Pathogenic. This variant disrupts the p.Thr260 amino acid residue in RAF1. Other variant(s) that disrupt this residue have been determined to be pathogenic (PMID: 17603483; Invitae). This suggests that this residue is clinically significant, and that variants that disrupt this residue are likely to be disease-causing. Advanced modeling of protein sequence and biophysical properties (such as structural, functional, and spatial information, amino acid conservation, physicochemical variation, residue mobility, and thermodynamic stability) performed at Invitae indicates that this missense variant is expected to disrupt RAF1 protein function. ClinVar contains an entry for this variant (Variation ID: 426303). This missense change has been observed in individual(s) with Noonan syndrome (PMID: 30359267). In at least one individual the variant was observed to be de novo. This sequence change replaces threonine, which is neutral and polar, with proline, which is neutral and non-polar, at codon 260 of the RAF1 protein (p.Thr260Pro).

Literature cited by the submitters: PubMed 31573083 (cited by Women's Health and Genetics/Laboratory Corporation of America, LabCorp); PubMed 31040167 (cited by Women's Health and Genetics/Laboratory Corporation of America, LabCorp); PubMed 30359267 (cited by Women's Health and Genetics/Laboratory Corporation of America, LabCorp and Labcorp Genetics (formerly Invitae), Labcorp); PubMed 17603483 (cited by Labcorp Genetics (formerly Invitae), Labcorp).